The following is an entry in ClinVar:

NM_001164508.2(NEB):c.20021_20023del (p.Ile6674del)

Gene: NEB (nebulin; minus strand). Cytogenetic location: 2q23.3.
Variant type: Deletion.
Coding change: c.20021_20023del on transcript NM_001164508.2 (MANE Select); coding-DNA positions 20021 to 20023, 3 bases deleted (TCA; older notation c.20021_20023delTCA).
Protein change: p.Ile6674del; deletes isoleucine 6674.
Molecular consequence: inframe deletion.
Genome position (GRCh38, 1-based): chr2:151,549,662-151,549,664, TGA deleted on the plus strand (TCA on the coding strand, the reverse complement: NEB is on the minus strand); deleting any 3 consecutive bases within chr2:151,549,662-151,549,666 gives the same sequence; the c. name uses the placement nearest the transcript's 3' end. VCF-style (leftmost placement, unchanged base first): chr2-151549661-TTGA-T. GRCh37 (hg19) VCF-style: chr2-152406175-TTGA-T.
Other names: c.20021_20023del, p.Ile6674del (NM_001164507.2, NM_001271208.2); c.14918_14920del, p.Ile4973del (NM_004543.5); short protein forms I4973del, I6674del.
Identifiers: ClinVar variation 662143 (VCV000662143.8), dbSNP rs1577105410, ClinGen allele CA915942818.
Genomic context (GRCh38, chr2:151,549,661, plus strand): 5'-TTCAGACCCATCTCAATGAGGAGGAGACCACTCACATAACTGCTCATGTAACGGGTGTCC[TTGA>T]TGTGTTTGAAGTGAGGAGTGTCACCTGGAAGTCTATATCCAGTGGGCAGGGTGCGCAGGC-3'

ClinVar aggregate classification (germline): Uncertain significance (1 of 4 stars; one submission).

Conditions:
Nemaline myopathy 2 (NEM2). Also called: Nemaline myopathy 2, autosomal recessive. Identifiers: MedGen C1850569, MONDO:0009725, OMIM 256030.

Submission:

Labcorp Genetics (formerly Invitae), Labcorp
Classification: Uncertain significance for Nemaline myopathy 2. Last evaluated: 2022-08-09. Review status: criteria provided, single submitter. Criteria: Invitae Variant Classification Sherloc (09022015). Collection method: clinical testing. Allele origin: germline.
Comment: This variant is not present in population databases (gnomAD no frequency). In summary, the available evidence is currently insufficient to determine the role of this variant in disease. Therefore, it has been classified as a Variant of Uncertain Significance. Experimental studies and prediction algorithms are not available or were not evaluated, and the functional significance of this variant is currently unknown. ClinVar contains an entry for this variant (Variation ID: 662143). This variant has not been reported in the literature in individuals affected with NEB-related conditions. This variant, c.20021_20023del, results in the deletion of 1 amino acid(s) of the NEB protein (p.Ile6674del), but otherwise preserves the integrity of the reading frame.